The following is an entry in ClinVar:

NM_138927.4(SON):c.1707_1722del (p.Pro570fs)

Gene: SON (SON DNA and RNA binding protein; plus strand). Cytogenetic location: 21q22.11.
Variant type: Deletion.
Coding change: c.1707_1722del on transcript NM_138927.4 (MANE Select); coding-DNA positions 1707 to 1722, 16 bases deleted (GCCAGAGTTGCCAGGG).
Protein change: p.Pro570fs; shifts the reading frame from proline 570.
Molecular consequence: frameshift variant. On other transcripts: non-coding transcript variant (1), intron variant (1).
Genome position (GRCh38, 1-based): chr21:33,550,938-33,550,953, GCCAGAGTTGCCAGGG deleted. VCF-style (leftmost placement, unchanged base first): chr21-33550937-TGCCAGAGTTGCCAGGG-T. GRCh37 (hg19) VCF-style: chr21-34923243-TGCCAGAGTTGCCAGGG-T.
Other names: c.1707_1722del, p.Pro570fs (NM_001291411.2, NM_032195.3); c.244+4559_244+4574del (NM_001291412.3); short protein forms P570fs.
Identifiers: ClinVar variation 1456728 (VCV001456728.6), dbSNP rs2145820777, ClinGen allele CA2573157338.

ClinVar aggregate classification (germline): Pathogenic (1 of 4 stars; one submission).

Submission:

Labcorp Genetics (formerly Invitae), Labcorp
Classification: Pathogenic. Last evaluated: 2021-08-28. Review status: criteria provided, single submitter. Criteria: Invitae Variant Classification Sherloc (09022015). Collection method: clinical testing. Allele origin: germline.
Comment: This sequence change creates a premature translational stop signal (p.Pro570Cysfs*20) in the SON gene. It is expected to result in an absent or disrupted protein product. Loss-of-function variants in SON are known to be pathogenic (PMID: 27545676, 27545680). This variant is not present in population databases (ExAC no frequency). This variant has not been reported in the literature in individuals affected with SON-related conditions. For these reasons, this variant has been classified as Pathogenic.

Literature cited by the submitters: PubMed 27545676; PubMed 27545680.